The following is an entry in ClinVar:

NM_000548.5(TSC2):c.473A>G (p.Glu158Gly)

Gene: TSC2 (TSC complex subunit 2; plus strand). Cytogenetic location: 16p13.3.
Variant type: single nucleotide variant.
Coding change: c.473A>G on transcript NM_000548.5 (MANE Select); coding-DNA position 473, A replaced by G.
Protein change: p.Glu158Gly; replaces glutamic acid 158 with glycine.
Molecular consequence: missense variant. On other transcripts: intron variant (1).
Genome position (GRCh38, 1-based): chr16:2,054,432, A>G. VCF-style: chr16-2054432-A-G. GRCh37 (hg19) VCF-style: chr16-2104433-A-G.
Other names: c.473A>G, p.Glu158Gly (NM_001077183.3, NM_001114382.3, NM_001363528.2 and 3 more transcripts); c.362A>G, p.Glu121Gly (NM_001318827.2); c.326A>G, p.Glu109Gly (NM_001318829.2); c.506A>G, p.Glu169Gly (NM_001318832.2); c.-1-1764A>G (NM_001318831.2); short protein forms E169G, E158G, E121G, E109G.
Identifiers: ClinVar variation 952784 (VCV000952784.9), dbSNP rs2085515389, ClinGen allele CA394308561.

ClinVar aggregate classification (germline): Uncertain significance (1 of 4 stars; one submission).

Conditions:
Tuberous sclerosis 2 (TSC2). Identifiers: Orphanet 805, MedGen C1860707, MONDO:0013199, OMIM 613254.

Submission:

Labcorp Genetics (formerly Invitae), Labcorp
Classification: Uncertain significance for Tuberous sclerosis 2. Last evaluated: 2019-08-10. Review status: criteria provided, single submitter. Criteria: Invitae Variant Classification Sherloc (09022015). Collection method: clinical testing. Allele origin: germline.
Comment: This variant has not been reported in the literature in individuals with TSC2-related conditions. This sequence change replaces glutamic acid with glycine at codon 158 of the TSC2 protein (p.Glu158Gly). The glutamic acid residue is highly conserved and there is a moderate physicochemical difference between glutamic acid and glycine. This variant is not present in population databases (ExAC no frequency). Algorithms developed to predict the effect of missense changes on protein structure and function are either unavailable or do not agree on the potential impact of this missense change (SIFT: "Deleterious"; PolyPhen-2: "Probably Damaging"; Align-GVGD: "Class C0"). In summary, the available evidence is currently insufficient to determine the role of this variant in disease. Therefore, it has been classified as a Variant of Uncertain Significance.